The following is an entry in ClinVar:

NM_005257.6(GATA6):c.546G>C (p.Ala182=)

Gene: GATA6 (GATA binding protein 6; plus strand). Cytogenetic location: 18q11.2.
Variant type: single nucleotide variant.
Coding change: c.546G>C on transcript NM_005257.6 (MANE Select); coding-DNA position 546, G replaced by C.
Protein change: p.Ala182=; no amino-acid change (alanine 182 retained).
Molecular consequence: synonymous variant.
Genome position (GRCh38, 1-based): chr18:22,171,690, G>C. VCF-style: chr18-22171690-G-C. GRCh37 (hg19) VCF-style: chr18-19751651-G-C.
Identifiers: ClinVar variation 3037461 (VCV003037461.2), dbSNP rs2510625944, ClinGen allele CA503529686.

ClinVar aggregate classification (germline): Likely benign (0 of 4 stars; one submission).

Conditions:
GATA6-related disorder. Also called: GATA6-related condition.

Submission:

PreventionGenetics, part of Exact Sciences
Classification: Likely benign for GATA6-related condition. Last evaluated: 2020-02-24. Review status: no assertion criteria provided. Collection method: clinical testing. Allele origin: germline.
Comment: This variant is classified as likely benign based on ACMG/AMP sequence variant interpretation guidelines (Richards et al. 2015 PMID: 25741868, with internal and published modifications).